The following is an entry in ClinVar:

NM_006231.4(POLE):c.802-5C>T

Gene: POLE (DNA polymerase epsilon, catalytic subunit; minus strand). Cytogenetic location: 12q24.33.
Variant type: single nucleotide variant.
Coding change: c.802-5C>T on transcript NM_006231.4 (MANE Select); 5 bases into the intron before coding-DNA position 802, C replaced by T.
Molecular consequence: intron variant.
Genome position (GRCh38, 1-based): chr12:132,676,658, G>A on the plus strand (C>T on the coding strand, the complement: POLE is on the minus strand). VCF-style: chr12-132676658-G-A. GRCh37 (hg19) VCF-style: chr12-133253244-G-A.
Other names: c.802-5C>T (NM_006231.2).
Identifiers: ClinVar variation 799391 (VCV000799391.12), dbSNP rs376302620, ClinGen allele CA6894167.

ClinVar aggregate classification (germline): Conflicting classifications of pathogenicity. Review status: criteria provided, conflicting classifications (1 of 4 stars). 3 submissions from 3 submitters: Uncertain significance (1); Likely benign (2). Last evaluated 2025-03-28.

Conditions:
Hereditary cancer-predisposing syndrome. Also called: Tumor predisposition; Neoplastic Syndromes, Hereditary; Hereditary Cancer Syndrome; Hereditary neoplastic syndrome. Identifiers: Orphanet 140162, MedGen C0027672, MeSH D009386, MONDO:0015356.
Colorectal cancer, susceptibility to, 12 (CRCS12). Also called: COLORECTAL CANCER, SUSCEPTIBILITY TO, ON CHROMOSOME 12q24. Identifiers: Orphanet 220460, MedGen C3554460, MONDO:0014038, OMIM 615083.

Allele frequency attached by ClinVar (database versions not stated): gnomAD exomes below 0.00001; ExAC 0.00001; gnomAD 0.00001; TOPMed 0.00001; ESP Exome Variant Server 0.00008.
gnomAD v4.1: 4 of 1,597,504 alleles (0.00025%); highest among the groups gnomAD compares: Non-Finnish European, 0.00034%; no homozygotes.

Submissions (3):

Ambry Genetics
Classification: Uncertain significance for Hereditary cancer-predisposing syndrome. Last evaluated: 2025-03-28. Review status: criteria provided, single submitter. Criteria: Ambry Variant Classification Scheme 2023. Collection method: clinical testing. Allele origin: germline.
Comment: The c.802-5C>T intronic variant results from a C to T substitution 5 nucleotides upstream from coding exon 9 in the POLE gene. This nucleotide position is poorly conserved in available vertebrate species. In silico splice site analysis predicts that this alteration will not have any significant effect on splicing. Based on the available evidence, the clinical significance of this variant remains unclear.

Myriad Genetics, Inc.
Classification: Likely benign for Colorectal cancer, susceptibility to, 12. Last evaluated: 2025-02-07. Review status: criteria provided, single submitter. Criteria: Myriad Autosomal Dominant, Autosomal Recessive and X-Linked Classification Criteria (2023). Collection method: clinical testing. Allele origin: unknown.
Comment: This variant is considered likely benign. This variant is intronic and is not expected to impact mRNA splicing.

Labcorp Genetics (formerly Invitae), Labcorp
Classification: Likely benign. Last evaluated: 2024-06-26. Review status: criteria provided, single submitter. Criteria: Invitae Variant Classification Sherloc (09022015). Collection method: clinical testing. Allele origin: germline.